The following is an entry in ClinVar:

NM_015559.3(SETBP1):c.541-10C>T

Gene: SETBP1 (SET binding protein 1; plus strand). Cytogenetic location: 18q12.3.
Variant type: single nucleotide variant.
Coding change: c.541-10C>T on transcript NM_015559.3 (MANE Select); 10 bases into the intron before coding-DNA position 541, C replaced by T.
Molecular consequence: intron variant.
Genome position (GRCh38, 1-based): chr18:44,949,871, C>T. VCF-style: chr18-44949871-C-T. GRCh37 (hg19) VCF-style: chr18-42529836-C-T.
Other names: c.541-10C>T (NM_001379141.1, NM_001379142.1, NM_015559.2).
Identifiers: ClinVar variation 1546981 (VCV001546981.10), dbSNP rs199948979, ClinGen allele CA8945451.

ClinVar aggregate classification (germline): Benign. Review status: criteria provided, single submitter (1 of 4 stars). 2 submissions from 2 submitters: Benign (1). 1 of the submissions does not count toward it. Last evaluated 2024-06-21.

Conditions:
SETBP1-related disorder. Also called: SETBP1-related condition; SETBP1-related disorders.

Allele frequency attached by ClinVar (database versions not stated): gnomAD 0.00001; gnomAD exomes 0.00003 and 0.00011; TOPMed 0.00003; ExAC 0.00012; 1000 Genomes Project 30x 0.00016; 1000 Genomes Project 0.00020.
gnomAD v4.1: 40 of 1,607,382 alleles (0.0025%); highest among the groups gnomAD compares: East Asian, 0.04%; no homozygotes.

Submissions (2):

Labcorp Genetics (formerly Invitae), Labcorp
Classification: Benign. Last evaluated: 2024-06-21. Review status: criteria provided, single submitter. Criteria: Invitae Variant Classification Sherloc (09022015). Collection method: clinical testing. Allele origin: germline.

PreventionGenetics, part of Exact Sciences
Classification: Likely benign for SETBP1-related condition. Last evaluated: 2020-12-17. Review status: no assertion criteria provided. Collection method: clinical testing. Allele origin: germline. Not counted in ClinVar's aggregate classification.
Comment: This variant is classified as likely benign based on ACMG/AMP sequence variant interpretation guidelines (Richards et al. 2015 PMID: 25741868, with internal and published modifications).